The following is an entry in ClinVar:

ClinVar aggregate classification (germline): Uncertain significance. Review status: criteria provided, multiple submitters, no conflicts (2 of 4 stars). 3 submissions from 3 submitters: Uncertain significance (3). Last evaluated 2025-12-01.

Conditions:
TTC21B-related disorder. Also called: TTC21B-related condition; TTC21B-related disorders.
Nephronophthisis 12 (NPHP12). Identifiers: Orphanet 655, MedGen C3151186, MONDO:0013442, OMIM 613820.
Asphyxiating thoracic dystrophy 4 (SRTD4). Also called: SHORT-RIB THORACIC DYSPLASIA 4 WITH OR WITHOUT POLYDACTYLY; SHORT-RIB THORACIC DYSPLASIA 4. Identifiers: Orphanet 474, MedGen C3151185, MONDO:0013441, OMIM 613819.
Jeune thoracic dystrophy. Also called: Short-rib thoracic dysplasia; Jeune syndrome; Infantile thoracic dystrophy; Thoracic pelvic phalangeal dystrophy; Jeune's syndrome; Chondroectodermal dysplasia-like syndrome. Identifiers: Orphanet 474, MedGen C0265275, MONDO:0018770.
Nephronophthisis. Also called: Juvenile Nephronophthisis. Identifiers: Orphanet 655, MedGen C0687120, MONDO:0019005, HP:0000090.

Allele frequency attached by ClinVar (database versions not stated): gnomAD exomes below 0.00001; gnomAD 0.00001; TOPMed 0.00002.
gnomAD v4.1: 6 of 1,613,898 alleles (0.00037%); highest among the groups gnomAD compares: African/African-American, 0.0027%; no homozygotes.

Submissions (3):

PreventionGenetics, part of Exact Sciences
Classification: Uncertain significance for TTC21B-related condition. Last evaluated: 2025-12-01. Review status: criteria provided, single submitter. Criteria: ACMG Guidelines, 2015. Collection method: clinical testing. Allele origin: germline.
Comment: The TTC21B c.1543C>T variant is predicted to result in the amino acid substitution p.Leu515Phe. To our knowledge, this variant has not been reported in the literature or in a large population database (gnomAD), indicating this variant is rare. At this time, the clinical significance of this variant is uncertain due to the absence of conclusive functional and genetic evidence.

Fulgent Genetics
Classification: Uncertain significance for Asphyxiating thoracic dystrophy 4; Nephronophthisis 12. Last evaluated: 2024-04-22. Review status: criteria provided, single submitter. Criteria: ACMG Guidelines, 2015. Collection method: clinical testing. Allele origin: germline.

Labcorp Genetics (formerly Invitae), Labcorp
Classification: Uncertain significance for Jeune thoracic dystrophy; Nephronophthisis. Last evaluated: 2022-10-17. Review status: criteria provided, single submitter. Criteria: Invitae Variant Classification Sherloc (09022015). Collection method: clinical testing. Allele origin: germline.
Comment: This sequence change replaces leucine, which is neutral and non-polar, with phenylalanine, which is neutral and non-polar, at codon 515 of the TTC21B protein (p.Leu515Phe). This variant is not present in population databases (gnomAD no frequency). This variant has not been reported in the literature in individuals affected with TTC21B-related conditions. ClinVar contains an entry for this variant (Variation ID: 1026946). Advanced modeling of protein sequence and biophysical properties (such as structural, functional, and spatial information, amino acid conservation, physicochemical variation, residue mobility, and thermodynamic stability) has been performed at Invitae for this missense variant, however the output from this modeling did not meet the statistical confidence thresholds required to predict the impact of this variant on TTC21B protein function. In summary, the available evidence is currently insufficient to determine the role of this variant in disease. Therefore, it has been classified as a Variant of Uncertain Significance.

NM_024753.5(TTC21B):c.1543C>T (p.Leu515Phe)

Gene: TTC21B (tetratricopeptide repeat domain 21B; minus strand). Cytogenetic location: 2q24.3.
Variant type: single nucleotide variant.
Coding change: c.1543C>T on transcript NM_024753.5 (MANE Select); coding-DNA position 1543, C replaced by T.
Protein change: p.Leu515Phe; replaces leucine 515 with phenylalanine.
Molecular consequence: missense variant.
Genome position (GRCh38, 1-based): chr2:165,919,407, G>A on the plus strand (C>T on the coding strand, the complement: TTC21B is on the minus strand). VCF-style: chr2-165919407-G-A. GRCh37 (hg19) VCF-style: chr2-166775917-G-A.
Other names: c.1543C>T (NM_024753.4); short protein forms L515F.
Identifiers: ClinVar variation 1026946 (VCV001026946.8), dbSNP rs1246746208, ClinGen allele CA349061194.